The following is an entry in ClinVar:

ClinVar aggregate classification (germline): Benign (1 of 4 stars; one submission).

Conditions:
Deficiency of hyaluronoglucosaminidase (MPS9). Also called: Mucopolysaccharidosis type 9; HYALURONIDASE DEFICIENCY; MPS IX. Identifiers: Orphanet 67041, MedGen C1291490, MONDO:0011093, OMIM 601492.

Allele frequency attached by ClinVar (database versions not stated): 1000 Genomes Project 0.00839; 1000 Genomes Project 30x 0.00906; gnomAD 0.01041 and 0.01118.

Submission:

Illumina Laboratory Services, Illumina
Classification: Benign for Deficiency of hyaluronoglucosaminidase. Last evaluated: 2017-04-27. Review status: criteria provided, single submitter. Criteria: ICSL Variant Classification Criteria 13 December 2019. Collection method: clinical testing. Allele origin: germline.
Comment: This variant was observed as part of a predisposition screen in an ostensibly healthy population. A literature search was performed for the gene, cDNA change, and amino acid change (where applicable). No publications were found based on this search. Allele frequency data from public databases was too high to be consistent with this variant causing disease. Therefore, this variant is classified as benign.

NM_153281.2(HYAL1):c.-271G>A

Gene: HYAL1 (hyaluronidase 1; minus strand). Cytogenetic location: 3p21.31.
Variant type: single nucleotide variant.
Coding change: c.-271G>A on transcript NM_153281.2; 271 bases upstream of the start codon, G replaced by A.
Molecular consequence: 5 prime UTR variant.
Genome position (GRCh38, 1-based): chr3:50,309,739, C>T on the plus strand (G>A on the coding strand, the complement: HYAL1 is on the minus strand). VCF-style: chr3-50309739-C-T. GRCh37 (hg19) VCF-style: chr3-50347170-C-T.
Identifiers: ClinVar variation 899904 (VCV000899904.6), dbSNP rs115085570, ClinGen allele CA74606535.